The following is an entry in ClinVar:

NM_019032.6(ADAMTSL4):c.963_964insT (p.Thr322fs)

Genes: ADAMTSL4 (ADAMTS like 4; plus strand), ADAMTSL4-AS2 (ADAMTSL4 antisense RNA 2; minus strand). Cytogenetic location: 1q21.2.
Variant type: Insertion.
Coding change: c.963_964insT on transcript NM_019032.6 (MANE Select); coding-DNA positions 963 to 964, T inserted.
Protein change: p.Thr322fs; shifts the reading frame from threonine 322.
Molecular consequence: frameshift variant.
Genome position: GRCh38 VCF-style: chr1-150553954-G-GT. GRCh37 (hg19) VCF-style: chr1-150526430-G-GT.
Other names: c.963_964insT, p.Thr322fs (NM_001288607.2, NM_001288608.2, NM_001378596.1 and 1 more transcripts); short protein forms T322fs.
Identifiers: ClinVar variation 1527845 (VCV001527845.3), dbSNP rs2101584597, ClinGen allele CA2573131047.

ClinVar aggregate classification (germline): Pathogenic (1 of 4 stars; one submission).

Conditions:
Ectopia lentis et pupillae. Also called: ECTOPIA LENTIS WITH ECTOPIA OF PUPIL. Identifiers: Orphanet 1885, MedGen C1644196, MONDO:0009153, OMIM 225200.
Ectopia lentis 2, isolated, autosomal recessive (ECTOL2). Identifiers: Orphanet 1885, MedGen C3541474, MONDO:0009152, OMIM 225100.

Submission:

Center for Genomics, Ann and Robert H. Lurie Children's Hospital of Chicago
Classification: Pathogenic for Ectopia lentis et pupillae; Ectopia lentis 2, isolated, autosomal recessive. Review status: criteria provided, single submitter. Criteria: ACMG Guidelines, 2015. Collection method: clinical testing. Allele origin: germline.
Comment: This variant has not been reported in the literature and is not present in large control databases. Evolutionary conservation and computational predictive tools for this variant are limited or unavailable. Of note, this variant creates a premature stop codon 10 amino acids downstream from this location which is predicted to result in an absent or abnormal protein. Loss of function variants are a known mechanism of disease for this gene (Rødahl 2020 PMID:22338190). In summary, this variant is classified as pathogenic